The following is an entry in ClinVar:

NM_001367624.2(ZNF469):c.4657C>T (p.Leu1553Phe)

Gene: ZNF469 (zinc finger protein 469; plus strand). Cytogenetic location: 16q24.2.
Variant type: single nucleotide variant.
Coding change: c.4657C>T on transcript NM_001367624.2 (MANE Select); coding-DNA position 4657, C replaced by T.
Protein change: p.Leu1553Phe; replaces leucine 1553 with phenylalanine.
Molecular consequence: missense variant.
Genome position (GRCh38, 1-based): chr16:88,432,127, C>T. VCF-style: chr16-88432127-C-T. GRCh37 (hg19) VCF-style: chr16-88498535-C-T.
Other names: NM_001127464.1:c.4573C>T; short protein forms L1553F.
Identifiers: ClinVar variation 1948158 (VCV001948158.4), dbSNP rs1357599705, ClinGen allele CA397092811.

ClinVar aggregate classification (germline): Conflicting classifications of pathogenicity. Review status: criteria provided, conflicting classifications (1 of 4 stars). 2 submissions from 2 submitters: Uncertain significance (1); Likely benign (1). Last evaluated 2023-11-02.

Conditions:
Cardiovascular phenotype. Identifiers: MedGen CN230736.

Allele frequency attached by ClinVar (database versions not stated): gnomAD exomes below 0.00001; TOPMed below 0.00001.
gnomAD v4.1: 3 of 1,550,430 alleles (0.00019%); highest among the groups gnomAD compares: East Asian, 0.0024%; no homozygotes.

Submissions (2):

Ambry Genetics
Classification: Likely benign for Cardiovascular phenotype. Last evaluated: 2023-11-02. Review status: criteria provided, single submitter. Criteria: Ambry Variant Classification Scheme 2023. Collection method: clinical testing. Allele origin: germline.

Labcorp Genetics (formerly Invitae), Labcorp
Classification: Uncertain significance. Last evaluated: 2022-07-21. Review status: criteria provided, single submitter. Criteria: Invitae Variant Classification Sherloc (09022015). Collection method: clinical testing. Allele origin: germline.
Comment: In summary, the available evidence is currently insufficient to determine the role of this variant in disease. Therefore, it has been classified as a Variant of Uncertain Significance. Algorithms developed to predict the effect of missense changes on protein structure and function output the following: SIFT: "Tolerated"; PolyPhen-2: "Benign"; Align-GVGD: "Class C0". The phenylalanine amino acid residue is found in multiple mammalian species, which suggests that this missense change does not adversely affect protein function. This variant has not been reported in the literature in individuals affected with ZNF469-related conditions. This variant is not present in population databases (gnomAD no frequency). This sequence change replaces leucine, which is neutral and non-polar, with phenylalanine, which is neutral and non-polar, at codon 1525 of the ZNF469 protein (p.Leu1525Phe).